The following is an entry in ClinVar:

NM_000229.2(LCAT):c.524-14dup

Gene: LCAT (lecithin-cholesterol acyltransferase; minus strand). Cytogenetic location: 16q22.1.
Variant type: Duplication.
Coding change: c.524-14dup on transcript NM_000229.2 (MANE Select); 14 bases into the intron before coding-DNA position 524, one base duplicated (T; older notation c.524-14dupT).
Molecular consequence: intron variant.
Genome position (GRCh38, 1-based): chr16:67,942,601, A duplicated on the plus strand (T on the coding strand, the reverse complement: LCAT is on the minus strand); the first of 2 consecutive A bases (chr16:67,942,601-67,942,602); duplicating either gives the same sequence. VCF-style (leftmost placement, unchanged base first): chr16-67942600-G-GA. GRCh37 (hg19) VCF-style: chr16-67976503-G-GA.
Other names: c.524-14dupT (NM_000229.1).
Identifiers: ClinVar variation 2957099 (VCV002957099.5), dbSNP rs770775074, ClinGen allele CA8121036.

ClinVar aggregate classification (germline): Likely benign. Review status: criteria provided, single submitter (1 of 4 stars). 2 submissions from 2 submitters: Likely benign (1). 1 of the submissions does not count toward it. Last evaluated 2024-10-05.

Conditions:
LCAT-related disorder. Also called: LCAT-related condition.

Submissions (2):

Labcorp Genetics (formerly Invitae), Labcorp
Classification: Likely benign. Last evaluated: 2024-10-05. Review status: criteria provided, single submitter. Criteria: Invitae Variant Classification Sherloc (09022015). Collection method: clinical testing. Allele origin: germline.

PreventionGenetics, part of Exact Sciences
Classification: Likely benign for LCAT-related condition. Last evaluated: 2019-06-12. Review status: no assertion criteria provided. Collection method: clinical testing. Allele origin: germline. Not counted in ClinVar's aggregate classification.
Comment: This variant is classified as likely benign based on ACMG/AMP sequence variant interpretation guidelines (Richards et al. 2015 PMID: 25741868, with internal and published modifications).